The following is an entry in ClinVar:

ClinVar aggregate classification (germline): Uncertain significance (1 of 4 stars; one submission).

Conditions:
Common variable immunodeficiency (CVID). Also called: Common variable hypogamma-globulinemia; Common variable agammaglobulinemia. Identifiers: Orphanet 1572, MedGen C0009447, MONDO:0015517.

Allele frequency attached by ClinVar (database versions not stated): ExAC 0.00003; gnomAD 0.00004; gnomAD exomes 0.00002; ESP Exome Variant Server 0.00023.

Submission:

Labcorp Genetics (formerly Invitae), Labcorp
Classification: Uncertain significance for Common variable immunodeficiency. Last evaluated: 2023-08-10. Review status: criteria provided, single submitter. Criteria: Invitae Variant Classification Sherloc (09022015). Collection method: clinical testing. Allele origin: germline.
Comment: In summary, the available evidence is currently insufficient to determine the role of this variant in disease. Therefore, it has been classified as a Variant of Uncertain Significance. An algorithm developed to predict the effect of missense changes on protein structure and function (PolyPhen-2) suggests that this variant is likely to be tolerated. ClinVar contains an entry for this variant (Variation ID: 1464853). This variant has not been reported in the literature in individuals affected with TNFSF12-related conditions. This variant is present in population databases (rs150816164, gnomAD 0.006%). This sequence change replaces arginine, which is basic and polar, with tryptophan, which is neutral and slightly polar, at codon 102 of the TNFSF12 protein (p.Arg102Trp).

NM_003809.3(TNFSF12):c.304C>T (p.Arg102Trp)

Genes: TNFSF12 (TNF superfamily member 12; plus strand), TNFSF12-TNFSF13 (TNFSF12-TNFSF13 readthrough; plus strand). Cytogenetic location: 17p13.1.
Variant type: single nucleotide variant.
Coding change: c.304C>T on transcript NM_003809.3 (MANE Select); coding-DNA position 304, C replaced by T.
Protein change: p.Arg102Trp; replaces arginine 102 with tryptophan.
Molecular consequence: missense variant. On other transcripts: non-coding transcript variant (1).
Genome position (GRCh38, 1-based): chr17:7,550,819, C>T. VCF-style: chr17-7550819-C-T. GRCh37 (hg19) VCF-style: chr17-7454136-C-T.
Other names: c.304C>T, p.Arg102Trp (NM_172089.4); short protein forms R102W.
Identifiers: ClinVar variation 1464853 (VCV001464853.8), dbSNP rs150816164, ClinGen allele CA8350763.